The following is an entry in ClinVar:

NM_003356.4(UCP3):c.369C>T (p.Gly123=)

Gene: UCP3 (uncoupling protein 3; minus strand). Cytogenetic location: 11q13.4.
Variant type: single nucleotide variant.
Coding change: c.369C>T on transcript NM_003356.4 (MANE Select); coding-DNA position 369, C replaced by T.
Protein change: p.Gly123=; no amino-acid change (glycine 123 retained).
Molecular consequence: synonymous variant.
Genome position (GRCh38, 1-based): chr11:74,005,902, G>A on the plus strand (C>T on the coding strand, the complement: UCP3 is on the minus strand). VCF-style: chr11-74005902-G-A. GRCh37 (hg19) VCF-style: chr11-73716947-G-A.
Other names: c.369C>T, p.Gly123= (NM_022803.3).
Identifiers: ClinVar variation 4986163 (VCV004986163.1).
Genomic context (GRCh38, chr11:74,005,902, plus strand): 5'-TCGGACCTTCACCACATCTGTGGGCTGGGCACAGGTCACCGCCATGGCTCCTGTGGTGCA[G>A]CCGGCCAAAATCCGGGTAGTGAGGCTGGAGTCTGGGAGGGGCAGAGAGAGTGGGCCAGTG-3'
Protein context (NP_003347.1, residues 113-133): NSSLTTRILA[Gly123=]CTTGAMAVTC

ClinVar aggregate classification (germline): Uncertain significance (1 of 4 stars; one submission).

Conditions:
UCP3-related disorder. Also called: UCP3-related condition.

gnomAD v4.1: 2 of 1,614,168 alleles (0.00012%); no homozygotes.

Submission:

PreventionGenetics, part of Exact Sciences
Classification: Uncertain significance for UCP3-related condition. Last evaluated: 2026-03-30. Review status: criteria provided, single submitter. Criteria: ACMG Guidelines, 2015. Collection method: clinical testing. Allele origin: germline.
Comment: The UCP3 c.369C>T variant is not predicted to result in an amino acid change (p.=). This variant is predicted to alter splicing based on available splicing prediction programs (SpliceAI, Jaganathan et al. 2019. PubMed ID: 30661751). However, the use of computer prediction programs is not equivalent to functional evidence. To our knowledge, this variant has not been reported in the literature or in a population database, indicating that this variant is rare. At this time, the clinical significance of this variant is uncertain due to the absence of conclusive functional and genetic evidence.